The following is an entry in ClinVar:

NM_017617.5(NOTCH1):c.328C>T (p.Pro110Ser)

Gene: NOTCH1 (notch receptor 1; minus strand). Cytogenetic location: 9q34.3.
Variant type: single nucleotide variant.
Coding change: c.328C>T on transcript NM_017617.5 (MANE Select); coding-DNA position 328, C replaced by T.
Protein change: p.Pro110Ser; replaces proline 110 with serine.
Molecular consequence: missense variant.
Genome position (GRCh38, 1-based): chr9:136,523,792, G>A on the plus strand (C>T on the coding strand, the complement: NOTCH1 is on the minus strand). VCF-style: chr9-136523792-G-A. GRCh37 (hg19) VCF-style: chr9-139418244-G-A.
Other names: c.328C>T, p.Pro110Ser (LRG_1122t1); short protein forms P110S.
Identifiers: ClinVar variation 424457 (VCV000424457.2), dbSNP rs1064796976, ClinGen allele CA16618806.

ClinVar aggregate classification (germline): Uncertain significance (1 of 4 stars; one submission).

Allele frequency attached by ClinVar (database versions not stated): gnomAD exomes below 0.00001.

Submission:

GeneDx
Classification: Uncertain significance. Last evaluated: 2017-03-20. Review status: criteria provided, single submitter. Criteria: GeneDx Variant Classification (06012015). Collection method: clinical testing. Allele origin: germline. Affected: yes.
Comment: A variant of uncertain significance has been identified in the NOTCH1 gene. The P110S variant has not been published as pathogenic or been reported as benign to our knowledge. Additionally, this variant is not observed in large population cohorts (Lek et al., 2016; 1000 Genomes Consortium et al., 2015; Exome Variant Server). The P110S variant is a non-conservative amino acid substitution, which is likely to impact secondary protein structure as these residues differ in polarity, charge, size and/or other properties. Furthermore, this substitution occurs at a position that is conserved across species and in silico analysis predicts this variant is probably damaging to the protein structure/function. However, this variant has not been observed in a significant number of affected individuals and it lacks both segregation and functional studies which would further clarify its role in disease.